The following is an entry in ClinVar:

ClinVar aggregate classification (germline): Uncertain significance (1 of 4 stars; one submission).

gnomAD v4.1: 5 of 1,614,052 alleles (0.00031%); highest among the groups gnomAD compares: Non-Finnish European, 0.00042%; no homozygotes.

Submission:

Ambry Genetics
Classification: Uncertain significance. Last evaluated: 2025-02-15. Review status: criteria provided, single submitter. Criteria: Ambry Variant Classification Scheme 2023. Collection method: clinical testing. Allele origin: germline.
Comment: The p.C484Y variant (also known as c.1451G>A), located in coding exon 1 of the TET2 gene, results from a G to A substitution at nucleotide position 1451. The cysteine at codon 484 is replaced by tyrosine, an amino acid with highly dissimilar properties. This amino acid position is conserved. In addition, this alteration is predicted to be tolerated by in silico analysis. Based on the available evidence, the clinical significance of this variant remains unclear.

NM_001127208.3(TET2):c.1451G>A (p.Cys484Tyr)

Genes: TET2 (tet methylcytosine dioxygenase 2; plus strand), TET2-AS1 (TET2 antisense RNA 1; minus strand). Cytogenetic location: 4q24.
Variant type: single nucleotide variant.
Coding change: c.1451G>A on transcript NM_001127208.3 (MANE Select); coding-DNA position 1451, G replaced by A.
Protein change: p.Cys484Tyr; replaces cysteine 484 with tyrosine.
Molecular consequence: missense variant.
Genome position (GRCh38, 1-based): chr4:105,235,393, G>A. VCF-style: chr4-105235393-G-A. GRCh37 (hg19) VCF-style: chr4-106156550-G-A.
Other names: c.1451G>A, p.Cys484Tyr (NM_017628.4); short protein forms C484Y.
Identifiers: ClinVar variation 3806062 (VCV003806062.1).